The following is an entry in ClinVar:

ClinVar aggregate classification (germline): Likely benign (0 of 4 stars; one submission).

Conditions:
RAD51-related disorder. Also called: RAD51-related disorders; RAD51-related condition.

Submission:

PreventionGenetics, part of Exact Sciences
Classification: Likely benign for RAD51-related condition. Last evaluated: 2024-05-01. Review status: no assertion criteria provided. Collection method: clinical testing. Allele origin: germline.
Comment: This variant is classified as likely benign based on ACMG/AMP sequence variant interpretation guidelines (Richards et al. 2015 PMID: 25741868, with internal and published modifications).

NM_002875.5(RAD51):c.225+595_225+601del

Gene: RAD51 (RAD51 recombinase; plus strand). Cytogenetic location: 15q15.1.
Variant type: Deletion.
Coding change: c.225+595_225+601del on transcript NM_002875.5 (MANE Select); bases 595 to 601 of the intron after coding-DNA position 225, 7 bases deleted (TTTTTTT; older notation c.225+595_225+601delTTTTTTT).
Molecular consequence: intron variant.
Genome position (GRCh38, 1-based): chr15:40,701,796-40,701,802, TTTTTTT deleted; deleting any 7 consecutive bases within chr15:40,701,777-40,701,802 gives the same sequence; the c. name uses the placement nearest the transcript's 3' end. VCF-style (leftmost placement, unchanged base first): chr15-40701776-ATTTTTTT-A. GRCh37 (hg19) VCF-style: chr15-40993974-ATTTTTTT-A.
Other names: c.226-10_226-4del (NM_133487.4, NM_001164269.2); c.225+595_225+601del (NM_001164270.2).
Identifiers: ClinVar variation 3352521 (VCV003352521.1).